The following is an entry in ClinVar:

NM_007186.6(CEP250):c.4566C>T (p.Asn1522=)

Gene: CEP250 (centrosomal protein 250; plus strand). Cytogenetic location: 20q11.22.
Variant type: single nucleotide variant.
Coding change: c.4566C>T on transcript NM_007186.6 (MANE Select); coding-DNA position 4566, C replaced by T.
Protein change: p.Asn1522=; no amino-acid change (asparagine 1522 retained).
Molecular consequence: synonymous variant.
Genome position (GRCh38, 1-based): chr20:35,502,935, C>T. VCF-style: chr20-35502935-C-T. GRCh37 (hg19) VCF-style: chr20-34090763-C-T.
Other names: c.2670C>T, p.Asn890= (NM_001318219.1); c.4566C>T (NM_007186.5).
Identifiers: ClinVar variation 1103379 (VCV001103379.11), dbSNP rs376332581, ClinGen allele CA9833739.

ClinVar aggregate classification (germline): Likely benign. Review status: criteria provided, multiple submitters, no conflicts (2 of 4 stars). 4 submissions from 4 submitters: Likely benign (4). Last evaluated 2025-12-22.

Conditions:
CEP250-related disorder. Also called: CEP250-related condition.

Allele frequency attached by ClinVar (database versions not stated): ExAC 0.00003; gnomAD exomes 0.00003; gnomAD 0.00004; TOPMed 0.00005; ESP Exome Variant Server 0.00008.
gnomAD v4.1: 48 of 1,614,192 alleles (0.003%); highest among the groups gnomAD compares: Middle Eastern, 0.25%; 1 homozygote.

Submissions (4):

PreventionGenetics, part of Exact Sciences
Classification: Likely benign for CEP250-related condition. Last evaluated: 2025-12-22. Review status: criteria provided, single submitter. Criteria: ACMG Guidelines, 2015. Collection method: clinical testing. Allele origin: germline.
Comment: This variant is classified as likely benign based on ACMG/AMP sequence variant interpretation guidelines (Richards et al. 2015 PMID: 25741868, with internal and published modifications).

Labcorp Genetics (formerly Invitae), Labcorp
Classification: Likely benign. Last evaluated: 2025-10-23. Review status: criteria provided, single submitter. Criteria: Invitae Variant Classification Sherloc (09022015). Collection method: clinical testing. Allele origin: germline.

Blueprint Genetics
Classification: Likely benign. Last evaluated: 2024-06-17. Review status: criteria provided, single submitter. Criteria: ACMG Guidelines, 2015. Collection method: clinical testing. Allele origin: germline.

Breakthrough Genomics
Classification: Likely benign. Review status: criteria provided, single submitter. Criteria: ACMG Guidelines, 2015. Collection method: not provided. Allele origin: germline. Inheritance: Autosomal recessive inheritance. Affected: yes.